The following is an entry in ClinVar:

ClinVar aggregate classification (germline): Uncertain significance (1 of 4 stars; one submission).

Conditions:
TTN-related disorder. Also called: TTN-related disorders; TTN-related condition; TTN-related disease.

Submission:

PreventionGenetics, part of Exact Sciences
Classification: Uncertain significance for TTN-related condition. Last evaluated: 2025-06-04. Review status: criteria provided, single submitter. Criteria: ACMG Guidelines, 2015. Collection method: clinical testing. Allele origin: germline.
Comment: The TTN c.82735G>C variant is predicted to result in the amino acid substitution p.Val27579Leu. To our knowledge, this variant has not been reported in the literature or in a large population database (gnomAD), indicating this variant is rare. At this time, the clinical significance of this variant is uncertain due to the absence of conclusive functional and genetic evidence.

NM_001267550.2(TTN):c.82735G>C (p.Val27579Leu)

Genes: TTN (titin; minus strand), TTN-AS1 (TTN antisense RNA 1; plus strand). Cytogenetic location: 2q31.2.
Variant type: single nucleotide variant.
Coding change: c.82735G>C on transcript NM_001267550.2 (MANE Select); coding-DNA position 82735, G replaced by C.
Protein change: p.Val27579Leu; replaces valine 27579 with leucine.
Molecular consequence: missense variant.
Genome position (GRCh38, 1-based): chr2:178,563,397, C>G on the plus strand (G>C on the coding strand, the complement: TTN is on the minus strand). VCF-style: chr2-178563397-C-G. GRCh37 (hg19) VCF-style: chr2-179428124-C-G.
Other names: c.77812G>C, p.Val25938Leu (NM_001256850.1); c.55540G>C, p.Val18514Leu (NM_003319.4); c.75031G>C, p.Val25011Leu (NM_133378.4); c.55915G>C, p.Val18639Leu (NM_133432.3); c.56116G>C, p.Val18706Leu (NM_133437.4); short protein forms V18514L, V18706L, V25011L, V25938L, V27579L, V18639L.
Identifiers: ClinVar variation 4999687 (VCV004999687.1).